The following is an entry in ClinVar:

ClinVar aggregate classification (germline): Uncertain significance (1 of 4 stars; one submission).

Submission:

CeGaT Center for Human Genetics Tuebingen
Classification: Uncertain significance. Last evaluated: 2026-09-01. Review status: criteria provided, single submitter. Criteria: CeGaT Center For Human Genetics Tuebingen Variant Classification Criteria Version 2. Collection method: clinical testing. Allele origin: germline. Affected: yes. Observed: 1 variant allele.
Comment: ZNF462: PM2, PS2:Supporting

NM_021224.6(ZNF462):c.656T>C (p.Leu219Pro)

Gene: ZNF462 (zinc finger protein 462; plus strand). Cytogenetic location: 9q31.2.
Variant type: single nucleotide variant.
Coding change: c.656T>C on transcript NM_021224.6 (MANE Select); coding-DNA position 656, T replaced by C.
Protein change: p.Leu219Pro; replaces leucine 219 with proline.
Molecular consequence: missense variant.
Genome position (GRCh38, 1-based): chr9:106,924,568, T>C. VCF-style: chr9-106924568-T-C. GRCh37 (hg19) VCF-style: chr9-109686849-T-C.
Other names: c.656T>C, p.Leu219Pro (NM_001347997.2); short protein forms L219P.
Identifiers: ClinVar variation 5041751 (VCV005041751.1).
Genomic context (GRCh38, chr9:106,924,568, plus strand): 5'-CTGCTCCAATGCCAGACCCTGTGGTTCCGCCCGTATCACTGCAGGACCCCTGCAAGGAAC[T>C]GCCAGCAGAGGTTGTGGAGCGCAGCATCTTAGAGTCTATGGTCAAGCCTTTGACCAAATC-3'
Protein context (NP_067047.4, residues 209-229): PVSLQDPCKE[Leu219Pro]PAEVVERSIL